The following is an entry in ClinVar:

ClinVar aggregate classification (germline): Uncertain significance. Review status: criteria provided, multiple submitters, no conflicts (2 of 4 stars). 3 submissions from 3 submitters: Uncertain significance (3). Last evaluated 2025-07-03.

Conditions:
Cohen syndrome (COH1). Also called: Cutis verticis gyrata, retinitis pigmentosa, and sensorineural deafness; PEPPER SYNDROME. Identifiers: Orphanet 193, MedGen C0265223, MONDO:0008999, OMIM 216550.
VPS13B-related disorder. Also called: VPS13B-related condition.

Allele frequency attached by ClinVar (database versions not stated): gnomAD exomes 0.00001; TOPMed 0.00001; ExAC 0.00002; gnomAD 0.00002.
gnomAD v4.1: 10 of 1,613,850 alleles (0.00062%); highest among the groups gnomAD compares: Admixed American, 0.0033%; no homozygotes.

Submissions (3):

PreventionGenetics, part of Exact Sciences
Classification: Uncertain significance for VPS13B-related condition. Last evaluated: 2025-07-03. Review status: criteria provided, single submitter. Criteria: ACMG Guidelines, 2015. Collection method: clinical testing. Allele origin: germline.
Comment: The VPS13B c.6719A>T variant is predicted to result in the amino acid substitution p.Tyr2240Phe. To our knowledge, this variant has not been reported in the literature. This variant is reported in 0.0029% of alleles in individuals of Latino descent in gnomAD. At this time, the clinical significance of this variant is uncertain due to the absence of conclusive functional and genetic evidence.

Blueprint Genetics
Classification: Uncertain significance. Last evaluated: 2022-05-03. Review status: criteria provided, single submitter. Criteria: ACMG Guidelines, 2015. Collection method: clinical testing. Allele origin: germline.

Labcorp Genetics (formerly Invitae), Labcorp
Classification: Uncertain significance for Cohen syndrome. Last evaluated: 2021-11-06. Review status: criteria provided, single submitter. Criteria: Invitae Variant Classification Sherloc (09022015). Collection method: clinical testing. Allele origin: germline.
Comment: This sequence change replaces tyrosine, which is neutral and polar, with phenylalanine, which is neutral and non-polar, at codon 2265 of the VPS13B protein (p.Tyr2265Phe). This variant is present in population databases (rs762982977, gnomAD 0.003%). This variant has not been reported in the literature in individuals affected with VPS13B-related conditions. Algorithms developed to predict the effect of missense changes on protein structure and function are either unavailable or do not agree on the potential impact of this missense change (SIFT: "Not Available"; PolyPhen-2: "Benign"; Align-GVGD: "Not Available"). In summary, the available evidence is currently insufficient to determine the role of this variant in disease. Therefore, it has been classified as a Variant of Uncertain Significance.

NM_152564.5(VPS13B):c.6719A>T (p.Tyr2240Phe)

Gene: VPS13B (vacuolar protein sorting 13 homolog B; plus strand). Cytogenetic location: 8q22.2.
Variant type: single nucleotide variant.
Coding change: c.6719A>T on transcript NM_152564.5 (MANE Select); coding-DNA position 6719, A replaced by T.
Protein change: p.Tyr2240Phe; replaces tyrosine 2240 with phenylalanine.
Molecular consequence: missense variant.
Genome position (GRCh38, 1-based): chr8:99,720,406, A>T. VCF-style: chr8-99720406-A-T. GRCh37 (hg19) VCF-style: chr8-100732634-A-T.
Other names: c.6719A>T (NM_152564.4); c.6794A>T, p.Tyr2265Phe (NM_017890.5); short protein forms Y2265F, Y2240F.
Identifiers: ClinVar variation 1486557 (VCV001486557.5), dbSNP rs762982977, ClinGen allele CA4824080.